The following is an entry in ClinVar:

NM_032590.5(KDM2B):c.2764G>A (p.Glu922Lys)

Gene: KDM2B (lysine demethylase 2B; minus strand). Cytogenetic location: 12q24.31.
Variant type: single nucleotide variant.
Coding change: c.2764G>A on transcript NM_032590.5 (MANE Select); coding-DNA position 2764, G replaced by A.
Protein change: p.Glu922Lys; replaces glutamic acid 922 with lysine.
Molecular consequence: missense variant.
Genome position (GRCh38, 1-based): chr12:121,442,677, C>T on the plus strand (G>A on the coding strand, the complement: KDM2B is on the minus strand). VCF-style: chr12-121442677-C-T. GRCh37 (hg19) VCF-style: chr12-121880480-C-T.
Other names: c.2557G>A, p.Glu853Lys (NM_001005366.2); short protein forms E853K, E922K.
Identifiers: ClinVar variation 2430940 (VCV002430940.2), dbSNP rs1281024588, ClinGen allele CA386974184.

ClinVar aggregate classification (germline): Uncertain significance. Review status: criteria provided, multiple submitters, no conflicts (2 of 4 stars). 2 submissions from 2 submitters: Uncertain significance (2). Last evaluated 2025-08-31.

Conditions:
Inborn genetic diseases. Identifiers: MedGen C0950123, MeSH D030342.

Allele frequency attached by ClinVar (database versions not stated): gnomAD exomes below 0.00001; TOPMed below 0.00001.
gnomAD v4.1: 3 of 1,605,398 alleles (0.00019%); highest among the groups gnomAD compares: African/African-American, 0.0013%; no homozygotes.

Submissions (2):

Ambry Genetics
Classification: Uncertain significance for Inborn genetic diseases. Last evaluated: 2025-08-31. Review status: criteria provided, single submitter. Criteria: Ambry Variant Classification Scheme 2023. Collection method: clinical testing. Allele origin: germline.

GeneDx
Classification: Uncertain significance. Last evaluated: 2022-08-24. Review status: criteria provided, single submitter. Criteria: GeneDx Variant Classification Process June 2021. Collection method: clinical testing. Allele origin: germline. Affected: yes.
Comment: Not observed at significant frequency in large population cohorts (gnomAD); In silico analysis supports that this missense variant does not alter protein structure/function; Has not been previously published as pathogenic or benign to our knowledge; Variants in candidate genes are classified as variants of uncertain significance in accordance with ACMG guidelines (Richards et al., 2015)